The following is an entry in ClinVar:

ClinVar aggregate classification (germline): Uncertain significance. Review status: criteria provided, multiple submitters, no conflicts (2 of 4 stars). 2 submissions from 2 submitters: Uncertain significance (2). Last evaluated 2025-09-10.

Conditions:
Inborn genetic diseases. Identifiers: MedGen C0950123, MeSH D030342.
Nemaline myopathy 9 (NEM9). Identifiers: MedGen C3810384, MONDO:0014326, OMIM 615731.

Allele frequency attached by ClinVar (database versions not stated): TOPMed below 0.00001; gnomAD 0.00001; gnomAD exomes 0.00001; ExAC 0.00002.
gnomAD v4.1: 7 of 1,614,080 alleles (0.00043%); highest among the groups gnomAD compares: Admixed American, 0.01%; no homozygotes.

Submissions (2):

Ambry Genetics
Classification: Uncertain significance for Inborn genetic diseases. Last evaluated: 2025-09-10. Review status: criteria provided, single submitter. Criteria: Ambry Variant Classification Scheme 2023. Collection method: clinical testing. Allele origin: germline.

Labcorp Genetics (formerly Invitae), Labcorp
Classification: Uncertain significance for Nemaline myopathy 9. Last evaluated: 2022-07-14. Review status: criteria provided, single submitter. Criteria: Invitae Variant Classification Sherloc (09022015). Collection method: clinical testing. Allele origin: germline.
Comment: This variant is present in population databases (rs756474651, gnomAD 0.01%). This sequence change replaces asparagine, which is neutral and polar, with serine, which is neutral and polar, at codon 78 of the KLHL41 protein (p.Asn78Ser). This variant has not been reported in the literature in individuals affected with KLHL41-related conditions. Algorithms developed to predict the effect of missense changes on protein structure and function (SIFT, PolyPhen-2, Align-GVGD) all suggest that this variant is likely to be disruptive. In summary, the available evidence is currently insufficient to determine the role of this variant in disease. Therefore, it has been classified as a Variant of Uncertain Significance.

NM_006063.3(KLHL41):c.233A>G (p.Asn78Ser)

Gene: KLHL41 (kelch like family member 41; plus strand). Cytogenetic location: 2q31.1.
Variant type: single nucleotide variant.
Coding change: c.233A>G on transcript NM_006063.3 (MANE Select); coding-DNA position 233, A replaced by G.
Protein change: p.Asn78Ser; replaces asparagine 78 with serine.
Molecular consequence: missense variant.
Genome position (GRCh38, 1-based): chr2:169,510,011, A>G. VCF-style: chr2-169510011-A-G. GRCh37 (hg19) VCF-style: chr2-170366521-A-G.
Other names: c.233A>G (NM_006063.2); short protein forms N78S.
Identifiers: ClinVar variation 2157023 (VCV002157023.4), dbSNP rs756474651, ClinGen allele CA1956471.
Genomic context (GRCh38, chr2:169,510,011, plus strand): 5'-TCCGTGAGTACTTTTTATCTGAAATTGATGAGGCGAAAAAAAAGGAGGTAGTGCTAGACA[A>G]TGTGGATCCTGCTATACTTGATTTAATCATCAAATACCTGTACTCTGCCAGTATTGATCT-3'
Protein context (NP_006054.2, residues 68-88): EAKKKEVVLD[Asn78Ser]VDPAILDLII